The following is an entry in ClinVar:

ClinVar aggregate classification (germline): Benign (1 of 4 stars; one submission).

Conditions:
Charcot-Marie-Tooth disease type 1F. Also called: CHARCOT-MARIE-TOOTH NEUROPATHY, TYPE 1F; Charcot-Marie-Tooth disease, demyelinating, type 1f. Identifiers: Orphanet 101085, MedGen C1843164, MONDO:0011902, OMIM 607734.

Allele frequency attached by ClinVar (database versions not stated): 1000 Genomes Project 0.00459; 1000 Genomes Project 30x 0.00422; TOPMed 0.01093.

Submission:

Illumina Laboratory Services, Illumina
Classification: Benign for Charcot-Marie-Tooth disease type 1F. Last evaluated: 2018-01-13. Review status: criteria provided, single submitter. Criteria: ICSL Variant Classification Criteria 13 December 2019. Collection method: clinical testing. Allele origin: germline.
Comment: This variant was observed in the ICSL laboratory as part of a predisposition screen in an ostensibly healthy population. It had not been previously curated by ICSL or reported in the Human Gene Mutation Database (HGMD: prior to June 1st, 2018), and was therefore a candidate for classification through an automated scoring system. Utilizing variant allele frequency, disease prevalence and penetrance estimates, and inheritance mode, an automated score was calculated to assess if this variant is too frequent to cause the disease. Based on the score and internal cut-off values, a variant classified as benign is not then subjected to further curation. The score for this variant resulted in a classification of benign for this disease.

NM_006158.4(NEFL):c.-183C>G

Gene: NEFL (neurofilament light chain; minus strand). Cytogenetic location: 8p21.2.
Variant type: single nucleotide variant.
Coding change: c.-183C>G on transcript NM_006158.4; 183 bases upstream of the start codon, C replaced by G.
Genome position (GRCh38, 1-based): chr8:24,956,698, G>C on the plus strand (C>G on the coding strand, the complement: NEFL is on the minus strand). VCF-style: chr8-24956698-G-C. GRCh37 (hg19) VCF-style: chr8-24814212-G-C.
Identifiers: ClinVar variation 910602 (VCV000910602.6), dbSNP rs62503766, ClinGen allele CA174062440.